The following is an entry in ClinVar:

ClinVar aggregate classification (germline): Uncertain significance (1 of 4 stars; one submission).

Conditions:
Hyper-IgE recurrent infection syndrome 1, autosomal dominant. Also called: STAT3 Hyper IgE Syndrome; Hyper-IgE recurrent infection syndrome 1; HYPER-IgE SYNDROME 1, AUTOSOMAL DOMINANT, WITH RECURRENT INFECTIONS; Job's Syndrome; JOB SYNDROME. Identifiers: Orphanet 2314, MedGen C2936739, MONDO:0007818, OMIM 147060.
STAT3 gain of function. Identifiers: MedGen C4288261.

Submission:

Labcorp Genetics (formerly Invitae), Labcorp
Classification: Uncertain significance for STAT3 gain of function; Hyper-IgE recurrent infection syndrome 1, autosomal dominant. Last evaluated: 2019-07-30. Review status: criteria provided, single submitter. Criteria: Invitae Variant Classification Sherloc (09022015). Collection method: clinical testing. Allele origin: germline.
Comment: Algorithms developed to predict the effect of missense changes on protein structure and function (SIFT, PolyPhen-2, Align-GVGD) all suggest that this variant is likely to be tolerated, but these predictions have not been confirmed by published functional studies and their clinical significance is uncertain. This sequence change replaces leucine with phenylalanine at codon 450 of the STAT3 protein (p.Leu450Phe). The leucine residue is moderately conserved and there is a small physicochemical difference between leucine and phenylalanine. This variant is not present in population databases (ExAC no frequency). This variant has not been reported in the literature in individuals with STAT3-related conditions. In summary, the available evidence is currently insufficient to determine the role of this variant in disease. Therefore, it has been classified as a Variant of Uncertain Significance.

NM_139276.3(STAT3):c.1348C>T (p.Leu450Phe)

Gene: STAT3 (signal transducer and activator of transcription 3; minus strand). Cytogenetic location: 17q21.2.
Variant type: single nucleotide variant.
Coding change: c.1348C>T on transcript NM_139276.3 (MANE Select); coding-DNA position 1348, C replaced by T.
Protein change: p.Leu450Phe; replaces leucine 450 with phenylalanine.
Molecular consequence: missense variant.
Genome position (GRCh38, 1-based): chr17:42,326,133, G>A on the plus strand (C>T on the coding strand, the complement: STAT3 is on the minus strand). VCF-style: chr17-42326133-G-A. GRCh37 (hg19) VCF-style: chr17-40478151-G-A.
Other names: c.1348C>T, p.Leu450Phe (NM_001369512.1, NM_001369513.1, NM_001369514.1 and 7 more transcripts); short protein forms L450F.
Identifiers: ClinVar variation 950328 (VCV000950328.10), dbSNP rs2081709628, ClinGen allele CA399587615.